The following is an entry in ClinVar:

ClinVar aggregate classification (germline): Uncertain significance (1 of 4 stars; one submission).

Conditions:
Hypertrophic cardiomyopathy. Also called: HYPERTROPHIC MYOCARDIOPATHY. Identifiers: Orphanet 217569, MedGen C0007194, MeSH D002312, MONDO:0005045, HP:0001639.

Submission:

Labcorp Genetics (formerly Invitae), Labcorp
Classification: Uncertain significance for Hypertrophic cardiomyopathy. Last evaluated: 2017-06-12. Review status: criteria provided, single submitter. Criteria: Invitae Variant Classification Sherloc (09022015). Collection method: clinical testing. Allele origin: germline.
Comment: This sequence change is an insertion in intron 17 of 236 nucleotides of the MYBPC3 mRNA (c.1624+206_1624+207ins236), The inserted nucleotides are identical to the area surrounding the coding 3' region of exon 23, and the first 101 nucleotides of intron 23 of MYBPC3 (c.2174_2308+101). This variant is not present in population databases (ExAC no frequency) and has not been reported in the literature in individuals with a MYBPC3-related disease. Algorithms developed to predict the effect of sequence changes on mRNA splicing suggest that this variant may alter mRNA splicing, but this prediction has not been confirmed by published transcriptional studies. In summary, this is a novel, deep-intronic insertion of the 3' region of exon 23 which has an uncertain effect on splicing of the MYBPC3 mRNA. For these reasons, it has been classified as a Variant of Uncertain Significance.

NM_000256.3(MYBPC3):c.1624+206_1624+207ins236

Gene: MYBPC3 (myosin binding protein C3; minus strand). Cytogenetic location: 11p11.2.
Variant type: Insertion.
Coding change: c.1624+206_1624+207ins236 on transcript NM_000256.3; bases 206 to 207 of the intron after coding-DNA position 1624, an insertion.
Identifiers: ClinVar variation 407330 (VCV000407330.1).